The following is an entry in ClinVar:

NM_005591.4(MRE11):c.1326+4A>G

Gene: MRE11 (MRE11 double strand break repair nuclease; minus strand). Cytogenetic location: 11q21.
Variant type: single nucleotide variant.
Coding change: c.1326+4A>G on transcript NM_005591.4 (MANE Select); 4 bases into the intron after coding-DNA position 1326, A replaced by G.
Molecular consequence: intron variant.
Genome position (GRCh38, 1-based): chr11:94,460,932, T>C on the plus strand (A>G on the coding strand, the complement: MRE11 is on the minus strand). VCF-style: chr11-94460932-T-C. GRCh37 (hg19) VCF-style: chr11-94194098-T-C.
Other names: c.1326+4A>G (NM_005591.3, NM_001330347.2, NM_005590.4).
Identifiers: ClinVar variation 2855062 (VCV002855062.4), dbSNP rs2134999437, ClinGen allele CA2724796027.

ClinVar aggregate classification (germline): Uncertain significance. Review status: criteria provided, multiple submitters, no conflicts (2 of 4 stars). 2 submissions from 2 submitters: Uncertain significance (2). Last evaluated 2024-04-12.

Conditions:
Ataxia-telangiectasia-like disorder (ATLD). Identifiers: MedGen C1858391, MONDO:0011457.
Hereditary cancer-predisposing syndrome. Also called: Neoplastic Syndromes, Hereditary; Hereditary neoplastic syndrome; Tumor predisposition; Hereditary Cancer Syndrome. Identifiers: Orphanet 140162, MedGen C0027672, MeSH D009386, MONDO:0015356.

Submissions (2):

Ambry Genetics
Classification: Uncertain significance for Hereditary cancer-predisposing syndrome. Last evaluated: 2024-04-12. Review status: criteria provided, single submitter. Criteria: Ambry Variant Classification Scheme 2023. Collection method: clinical testing. Allele origin: germline.
Comment: The c.1326+4A>G intronic variant results from an A to G substitution 4 nucleotides after coding exon 11 in the MRE11A gene. This nucleotide position is well conserved in available vertebrate species. In silico splice site analysis for this alteration is inconclusive. Based on the available evidence, the clinical significance of this variant remains unclear.

Labcorp Genetics (formerly Invitae), Labcorp
Classification: Uncertain significance for Ataxia-telangiectasia-like disorder. Last evaluated: 2023-09-13. Review status: criteria provided, single submitter. Criteria: Invitae Variant Classification Sherloc (09022015). Collection method: clinical testing. Allele origin: germline.
Comment: In summary, the available evidence is currently insufficient to determine the role of this variant in disease. Therefore, it has been classified as a Variant of Uncertain Significance. Variants that disrupt the consensus splice site are a relatively common cause of aberrant splicing (PMID: 17576681, 9536098). Algorithms developed to predict the effect of sequence changes on RNA splicing suggest that this variant is not likely to affect RNA splicing. This variant has not been reported in the literature in individuals affected with MRE11-related conditions. This variant is not present in population databases (gnomAD no frequency). This sequence change falls in intron 12 of the MRE11 gene. It does not directly change the encoded amino acid sequence of the MRE11 protein. It affects a nucleotide within the consensus splice site.

Literature cited by the submitters: PubMed 17576681 (cited by Labcorp Genetics (formerly Invitae), Labcorp); PubMed 9536098 (cited by Labcorp Genetics (formerly Invitae), Labcorp).